The following is an entry in ClinVar:

NM_001267550.2(TTN):c.97033T>A (p.Ser32345Thr)

Genes: TTN-AS1 (TTN antisense RNA 1; plus strand), TTN (titin; minus strand). Cytogenetic location: 2q31.2.
Variant type: single nucleotide variant.
Coding change: c.97033T>A on transcript NM_001267550.2 (MANE Select); coding-DNA position 97033, T replaced by A.
Protein change: p.Ser32345Thr; replaces serine 32345 with threonine.
Molecular consequence: missense variant.
Genome position (GRCh38, 1-based): chr2:178,542,821, A>T on the plus strand (T>A on the coding strand, the complement: TTN is on the minus strand). VCF-style: chr2-178542821-A-T. GRCh37 (hg19) VCF-style: chr2-179407548-A-T.
Other names: c.92110T>A, p.Ser30704Thr (NM_001256850.1); c.69838T>A, p.Ser23280Thr (NM_003319.4); c.89329T>A, p.Ser29777Thr (NM_133378.4); c.70213T>A, p.Ser23405Thr (NM_133432.3); c.70414T>A, p.Ser23472Thr (NM_133437.4); short protein forms S23280T, S23405T, S23472T, S29777T, S30704T, S32345T.
Identifiers: ClinVar variation 3767610 (VCV003767610.1).

ClinVar aggregate classification (germline): Uncertain significance (1 of 4 stars; one submission).

Submission:

GeneDx
Classification: Uncertain significance. Last evaluated: 2024-09-10. Review status: criteria provided, single submitter. Criteria: GeneDx Variant Classification Process June 2021. Collection method: clinical testing. Allele origin: germline. Affected: yes.
Comment: Not observed at significant frequency in large population cohorts (gnomAD); Missense variant in a gene in which most reported pathogenic variants are truncating/loss of function; Has not been previously published as pathogenic or benign to our knowledge